The following is an entry in ClinVar:

ClinVar aggregate classification (germline): Likely benign (1 of 4 stars; one submission).

Allele frequency attached by ClinVar (database versions not stated): gnomAD exomes 0.00015; ExAC 0.00033; 1000 Genomes Project 0.00040; 1000 Genomes Project 30x 0.00047; ESP Exome Variant Server 0.00082; gnomAD 0.00101; TOPMed 0.00112.
gnomAD v4.1: 380 of 1,609,732 alleles (0.024%); highest among the groups gnomAD compares: African/African-American, 0.34%; 1 homozygote.

Submission:

CeGaT Center for Human Genetics Tuebingen
Classification: Likely benign. Last evaluated: 2022-03-01. Review status: criteria provided, single submitter. Criteria: CeGaT Center For Human Genetics Tuebingen Variant Classification Criteria Version 2. Collection method: clinical testing. Allele origin: germline. Affected: yes. Observed: 1 variant allele.
Comment: ALLC: BP4

NM_018436.4(ALLC):c.975+4C>T

Gene: ALLC (allantoicase; plus strand). Cytogenetic location: 2p25.3.
Variant type: single nucleotide variant.
Coding change: c.975+4C>T on transcript NM_018436.4 (MANE Select); 4 bases into the intron after coding-DNA position 975, C replaced by T.
Molecular consequence: intron variant.
Genome position (GRCh38, 1-based): chr2:3,701,640, C>T. VCF-style: chr2-3701640-C-T. GRCh37 (hg19) VCF-style: chr2-3749230-C-T.
Identifiers: ClinVar variation 2650637 (VCV002650637.24), dbSNP rs369317175, ClinGen allele CA1517568.